The following is an entry in ClinVar:

NM_015450.3(POT1):c.437C>T (p.Pro146Leu)

Gene: POT1 (protection of telomeres 1; minus strand). Cytogenetic location: 7q31.33.
Variant type: single nucleotide variant.
Coding change: c.437C>T on transcript NM_015450.3 (MANE Select); coding-DNA position 437, C replaced by T.
Protein change: p.Pro146Leu; replaces proline 146 with leucine.
Molecular consequence: missense variant. On other transcripts: non-coding transcript variant (3).
Genome position (GRCh38, 1-based): chr7:124,863,459, G>A on the plus strand (C>T on the coding strand, the complement: POT1 is on the minus strand). VCF-style: chr7-124863459-G-A. GRCh37 (hg19) VCF-style: chr7-124503513-G-A.
Other names: c.44C>T, p.Pro15Leu (NM_001042594.2); short protein forms P146L, P15L.
Identifiers: ClinVar variation 436390 (VCV000436390.24), dbSNP rs1554426915, ClinGen allele CA369059296.

ClinVar aggregate classification (germline): Uncertain significance. Review status: criteria provided, multiple submitters, no conflicts (2 of 4 stars). 4 submissions from 4 submitters: Uncertain significance (4). Last evaluated 2025-12-10.

Conditions:
Hereditary cancer-predisposing syndrome. Also called: Tumor predisposition; Hereditary Cancer Syndrome; Hereditary neoplastic syndrome; Neoplastic Syndromes, Hereditary. Identifiers: Orphanet 140162, MedGen C0027672, MeSH D009386, MONDO:0015356.
Tumor predisposition syndrome 3 (TPDS3). Also called: Glioma susceptibility 9; LONG TELOMERE SYNDROME, POT1-RELATED; POT1 Tumor Predisposition; Melanoma, cutaneous malignant, susceptibility to, 10. Identifiers: Orphanet 618, MedGen C4014476, MONDO:0014368, OMIM 615848.
Dyskeratosis congenita. Identifiers: Orphanet 1775, MedGen C0265965, MONDO:0015780.

Submissions (4):

Labcorp Genetics (formerly Invitae), Labcorp
Classification: Uncertain significance for Tumor predisposition syndrome 3. Last evaluated: 2025-12-10. Review status: criteria provided, single submitter. Criteria: Invitae Variant Classification Sherloc (09022015). Collection method: clinical testing. Allele origin: germline.
Comment: This sequence change replaces proline, which is neutral and non-polar, with leucine, which is neutral and non-polar, at codon 146 of the POT1 protein (p.Pro146Leu). This variant is not present in population databases (gnomAD no frequency). This missense change has been observed in individual(s) with aplastic anemia and shortened telomeres (PMID: 30523342). ClinVar contains an entry for this variant (Variation ID: 436390). Invitae Evidence Modeling of protein sequence and biophysical properties (such as structural, functional, and spatial information, amino acid conservation, physicochemical variation, residue mobility, and thermodynamic stability) indicates that this missense variant is not expected to disrupt POT1 protein function with a negative predictive value of 80%. In summary, the available evidence is currently insufficient to determine the role of this variant in disease. Therefore, it has been classified as a Variant of Uncertain Significance.

Ambry Genetics
Classification: Uncertain significance for Hereditary cancer-predisposing syndrome. Last evaluated: 2024-09-23. Review status: criteria provided, single submitter. Criteria: Ambry Variant Classification Scheme 2023. Collection method: clinical testing. Allele origin: germline.
Comment: The p.P146L variant (also known as c.437C>T), located in coding exon 4 of the POT1 gene, results from a C to T substitution at nucleotide position 437. The proline at codon 146 is replaced by leucine, an amino acid with similar properties. This amino acid position is poorly conserved in available vertebrate species. In addition, this alteration is predicted to be tolerated by in silico analysis. Based on the available evidence, the clinical significance of this variant remains unclear.

Genetic Services Laboratory, University of Chicago
Classification: Uncertain significance. Last evaluated: 2016-11-02. Review status: criteria provided, single submitter. Criteria: ACMG Guidelines, 2015. Collection method: clinical testing. Allele origin: germline. Affected: no.

Bone Marrow Failure laboratory, Queen Mary University London
Classification: Uncertain significance for Dyskeratosis congenita. Review status: criteria provided, single submitter. Criteria: ACMG Guidelines, 2015. Collection method: research. Allele origin: paternal. Affected: yes. Observed: 3 variant alleles, 3 heterozygotes. Clinical features observed: Abnormality of skin pigmentation, Increased mean corpuscular volume, Bone marrow hypocellularity, Oral leukoplakia, Abnormality of the dentition, Premature graying of hair.

Literature cited by the submitters: PubMed 30523342 (cited by Labcorp Genetics (formerly Invitae), Labcorp and Ambry Genetics).